The following is an entry in ClinVar:

ClinVar aggregate classification (germline): Likely pathogenic (1 of 4 stars; one submission).

Conditions:
6-Pyruvoyl-tetrahydrobiopterin synthase deficiency. Also called: 6-Pyruvoyltetrahydropterin Synthase Deficiency; HYPERPHENYLALANINEMIA, TETRAHYDROBIOPTERIN-DEFICIENT, DUE TO PTS DEFICIENCY; PTS DEFICIENCY; Hyperphenylalanemia, BH4-deficient, A; Hyperphenylalaninemia due to 6-pyruvoyl-tetrahydropterin synthase deficiency; BH4-deficient hyperphenylalaninemia A. Identifiers: Orphanet 13, Orphanet 238583, MedGen C0878676, MONDO:0009863, OMIM 261640.

Submission:

Natera, Inc.
Classification: Likely pathogenic for 6-Pyruvoyl-tetrahydrobiopterin synthase deficiency. Last evaluated: 2025-10-30. Review status: criteria provided, single submitter. Criteria: Natera Variant Classification Schema (03/2026). Collection method: clinical testing. Allele origin: germline.
Comment: The c.45_46insGGC variant in PTS is an in-frame insertion. This variant is rare in the general population with a frequency below the threshold expected for the associated phenotype(s). Functional studies show that this variant may disrupt protein function (PMID: 11388593). This variant results in a change to the protein length while preserving reading frame, which may disrupt normal protein structure or function. Given the available evidence, this variant is classified as Likely Pathogenic.

Literature cited by the submitters: PubMed 11388593.

NM_000317.3(PTS):c.45_46insGGC (p.Ser15_Arg16insGly)

Genes: PTS (6-pyruvoyltetrahydropterin synthase; plus strand), LOC130006765 (ATAC-STARR-seq lymphoblastoid silent region 3906; plus strand). Cytogenetic location: 11q23.1.
Variant type: Insertion.
Coding change: c.45_46insGGC on transcript NM_000317.3 (MANE Select); coding-DNA positions 45 to 46, GGC inserted.
Protein change: p.Ser15_Arg16insGly.
Molecular consequence: inframe insertion.
Genome position: GRCh38 VCF-style: chr11-112226487-C-CCGG. GRCh37 (hg19) VCF-style: chr11-112097210-C-CCGG.
Identifiers: ClinVar variation 4818154 (VCV004818154.1).
Genomic context (GRCh38, chr11:112,226,487, plus strand): 5'-CAGACAGCGCCGGGAAGATGAGCACGGAAGGTGGTGGCCGTCGCTGCCAGGCACAAGTGT[C>CCGG]CCGCCGCATCTCCTTCAGCGCGAGCCACCGATTGTACAGGTAGGGTGTGCACACAGGTAC-3'